The following is an entry in ClinVar:

ClinVar aggregate classification (germline): Likely pathogenic (1 of 4 stars; one submission).

Submission:

Dasa
Classification: Likely pathogenic. Last evaluated: 2026-02-25. Review status: criteria provided, single submitter. Criteria: DASA Assertion Criteria. Collection method: clinical testing. Allele origin: germline.
Comment: NM_000334.4(SCN4A):c.4342del (p.Arg1448Valfs*2) is a frameshift variant in SCN4A predicted to alter the reading frame and introduce a premature termination codon and is predicted to result in an absent or altered protein product. Loss of function is an established disease mechanism for SCN4A-associated disorders. Also, this variant is rare in population databases. Based on the currently available evidence, this variant is classified as likely pathogenic.

NM_000334.4(SCN4A):c.4342del (p.Arg1448fs)

Genes: SCN4A (sodium voltage-gated channel alpha subunit 4; minus strand), GH-LCR (growth hormone locus control region; plus strand). Cytogenetic location: 17q23.3.
Variant type: Deletion.
Coding change: c.4342del on transcript NM_000334.4 (MANE Select); coding-DNA position 4342, one base deleted (C; older notation c.4342delC).
Protein change: p.Arg1448fs; shifts the reading frame from arginine 1448.
Molecular consequence: frameshift variant.
Genome position (GRCh38, 1-based): chr17:63,941,940, G deleted on the plus strand (C on the coding strand, the reverse complement: SCN4A is on the minus strand); the first of 2 consecutive G bases (chr17:63,941,940-63,941,941); deleting either gives the same sequence. VCF-style (leftmost placement, unchanged base first): chr17-63941939-CG-C. GRCh37 (hg19) VCF-style: chr17-62019299-CG-C.
Other names: short protein forms R1448fs.
Identifiers: ClinVar variation 4880633 (VCV004880633.2).
Genomic context (GRCh38, chr17:63,941,939, plus strand): 5'-ATGCCCTTGGCCCCGCGGATCAGCCGCAGGACACGCCCAATCCGCGCCAGGCGGATCACA[CG>C]GAACAGCGTGGGTGACACGAAGTACTTCTGGATCAGGTCAGAGAGGGCAAGGCCTGCGGG-3'